The following is an entry in ClinVar:

NM_005235.3(ERBB4):c.50C>T (p.Ala17Val)

Gene: ERBB4 (erb-b2 receptor tyrosine kinase 4; minus strand). Cytogenetic location: 2q34.
Variant type: single nucleotide variant.
Coding change: c.50C>T on transcript NM_005235.3 (MANE Select); coding-DNA position 50, C replaced by T.
Protein change: p.Ala17Val; replaces alanine 17 with valine.
Molecular consequence: missense variant.
Genome position (GRCh38, 1-based): chr2:212,538,481, G>A on the plus strand (C>T on the coding strand, the complement: ERBB4 is on the minus strand). VCF-style: chr2-212538481-G-A. GRCh37 (hg19) VCF-style: chr2-213403205-G-A.
Other names: c.50C>T, p.Ala17Val (NM_001042599.2); short protein forms A17V.
Identifiers: ClinVar variation 1577757 (VCV001577757.9), dbSNP rs201202926, ClinGen allele CA2088621.

ClinVar aggregate classification (germline): Likely benign. Review status: criteria provided, single submitter (1 of 4 stars). 2 submissions from 2 submitters: Likely benign (1). 1 of the submissions does not count toward it. Last evaluated 2025-12-29.

Conditions:
ERBB4-related disorder. Also called: ERBB4-related condition.

Allele frequency attached by ClinVar (database versions not stated): gnomAD exomes 0.00010 and 0.00006; ExAC 0.00006; gnomAD 0.00007 and 0.00008; TOPMed 0.00008.
gnomAD v4.1: 116 of 1,613,894 alleles (0.0072%); highest among the groups gnomAD compares: Non-Finnish European, 0.0019%; no homozygotes.

Submissions (2):

Labcorp Genetics (formerly Invitae), Labcorp
Classification: Likely benign. Last evaluated: 2025-12-29. Review status: criteria provided, single submitter. Criteria: Invitae Variant Classification Sherloc (09022015). Collection method: clinical testing. Allele origin: germline.

PreventionGenetics, part of Exact Sciences
Classification: Likely benign for ERBB4-related condition. Last evaluated: 2022-10-24. Review status: no assertion criteria provided. Collection method: clinical testing. Allele origin: germline. Not counted in ClinVar's aggregate classification.
Comment: This variant is classified as likely benign based on ACMG/AMP sequence variant interpretation guidelines (Richards et al. 2015 PMID: 25741868, with internal and published modifications).